The following is an entry in ClinVar:

ClinVar aggregate classification (germline): Likely benign. Review status: criteria provided, multiple submitters, no conflicts (2 of 4 stars). 3 submissions from 3 submitters: Likely benign (3). Last evaluated 2026-06-30.

Conditions:
Rubinstein-Taybi syndrome (RSTS). Identifiers: Orphanet 783, MedGen C0035934, MONDO:0019188.
Inborn genetic diseases. Identifiers: MedGen C0950123, MeSH D030342.
CREBBP-related disorder. Also called: CREBBP-related disorders; CREBBP-related condition.

Allele frequency attached by ClinVar (database versions not stated): gnomAD 0.00001; TOPMed 0.00001; 1000 Genomes Project 30x 0.00016; 1000 Genomes Project 0.00020.
gnomAD v4.1: 51 of 1,612,264 alleles (0.0032%); highest among the groups gnomAD compares: Non-Finnish European, 0.0039%; no homozygotes.

Submissions (3):

PreventionGenetics, part of Exact Sciences
Classification: Likely benign for CREBBP-related condition. Last evaluated: 2026-06-30. Review status: criteria provided, single submitter. Criteria: ACMG Guidelines, 2015. Collection method: clinical testing. Allele origin: germline.
Comment: This variant is classified as likely benign based on ACMG/AMP sequence variant interpretation guidelines (Richards et al. 2015 PMID: 25741868, with internal and published modifications).

Labcorp Genetics (formerly Invitae), Labcorp
Classification: Likely benign for Rubinstein-Taybi syndrome. Last evaluated: 2024-07-22. Review status: criteria provided, single submitter. Criteria: Invitae Variant Classification Sherloc (09022015). Collection method: clinical testing. Allele origin: germline.

Ambry Genetics
Classification: Likely benign for Inborn genetic diseases. Last evaluated: 2016-06-21. Review status: criteria provided, single submitter. Criteria: Ambry Variant Classification Scheme 2023. Collection method: clinical testing. Allele origin: germline.

NM_004380.3(CREBBP):c.5346G>A (p.Ala1782=)

Gene: CREBBP (CREB binding lysine acetyltransferase; minus strand). Cytogenetic location: 16p13.3.
Variant type: single nucleotide variant.
Coding change: c.5346G>A on transcript NM_004380.3 (MANE Select); coding-DNA position 5346, G replaced by A.
Protein change: p.Ala1782=; no amino-acid change (alanine 1782 retained).
Molecular consequence: synonymous variant.
Genome position (GRCh38, 1-based): chr16:3,729,701, C>T on the plus strand (G>A on the coding strand, the complement: CREBBP is on the minus strand). VCF-style: chr16-3729701-C-T. GRCh37 (hg19) VCF-style: chr16-3779702-C-T.
Other names: c.5232G>A, p.Ala1744= (NM_001079846.1).
Identifiers: ClinVar variation 589298 (VCV000589298.8), dbSNP rs533040964, ClinGen allele CA7869289.